The following is an entry in ClinVar:

ClinVar aggregate classification (germline): Conflicting classifications of pathogenicity. Review status: criteria provided, conflicting classifications (1 of 4 stars). 4 submissions from 4 submitters: Uncertain significance (2); Likely benign (2). Last evaluated 2025-12-01.

Conditions:
Cardiovascular phenotype. Identifiers: MedGen CN230736.
Hypertrophic cardiomyopathy 26. Also called: Cardiomyopathy, familial hypertrophic, 26. Identifiers: Orphanet 75249, MedGen C4310749, MONDO:0014883, OMIM 617047.
Distal myopathy with posterior leg and anterior hand involvement. Also called: WILLIAMS DISTAL MYOPATHY. Identifiers: Orphanet 63273, MedGen C3279722, MONDO:0013550, OMIM 614065.
Myofibrillar myopathy 5. Also called: Filaminopathy (type); FILAMINOPATHY, AUTOSOMAL DOMINANT. Identifiers: Orphanet 171445, MedGen C1836050, MONDO:0012289, OMIM 609524.
FLNC-related disorder. Also called: FLNC-related disorders; FLNC-related condition.

Allele frequency attached by ClinVar (database versions not stated): TOPMed 0.00001.
gnomAD v4.1: 21 of 1,613,954 alleles (0.0013%); highest among the groups gnomAD compares: Middle Eastern, 0.033%; no homozygotes.

Submissions (4):

Ambry Genetics
Classification: Uncertain significance for Cardiovascular phenotype. Last evaluated: 2025-12-01. Review status: criteria provided, single submitter. Criteria: Ambry Variant Classification Scheme 2023. Collection method: clinical testing. Allele origin: germline.
Comment: The p.R1291G variant (also known as c.3871C>G), located in coding exon 22 of the FLNC gene, results from a C to G substitution at nucleotide position 3871. The arginine at codon 1291 is replaced by glycine, an amino acid with dissimilar properties. This amino acid position is conserved. In addition, the in silico prediction for this alteration is inconclusive. Since supporting evidence is limited at this time, the clinical significance of this alteration remains unclear.

PreventionGenetics, part of Exact Sciences
Classification: Uncertain significance for FLNC-related condition. Last evaluated: 2025-10-01. Review status: criteria provided, single submitter. Criteria: ACMG Guidelines, 2015. Collection method: clinical testing. Allele origin: germline.
Comment: The FLNC c.3871C>G variant is predicted to result in the amino acid substitution p.Arg1291Gly. To our knowledge, this variant has not been reported in the literature. This variant is reported in 0.0098% of alleles in individuals of South Asian descent in gnomAD. At this time, the clinical significance of this variant is uncertain due to the absence of conclusive functional and genetic evidence.

Labcorp Genetics (formerly Invitae), Labcorp
Classification: Likely benign for Distal myopathy with posterior leg and anterior hand involvement; Myofibrillar myopathy 5; Hypertrophic cardiomyopathy 26. Last evaluated: 2025-01-30. Review status: criteria provided, single submitter. Criteria: Invitae Variant Classification Sherloc (09022015). Collection method: clinical testing. Allele origin: germline.

Blueprint Genetics
Classification: Likely benign. Last evaluated: 2024-02-08. Review status: criteria provided, single submitter. Criteria: ACMG Guidelines, 2015. Collection method: clinical testing. Allele origin: germline.

NM_001458.5(FLNC):c.3871C>G (p.Arg1291Gly)

Gene: FLNC (filamin C; plus strand). Cytogenetic location: 7q32.1.
Variant type: single nucleotide variant.
Coding change: c.3871C>G on transcript NM_001458.5 (MANE Select); coding-DNA position 3871, C replaced by G.
Protein change: p.Arg1291Gly; replaces arginine 1291 with glycine.
Molecular consequence: missense variant.
Genome position (GRCh38, 1-based): chr7:128,846,070, C>G. VCF-style: chr7-128846070-C-G. GRCh37 (hg19) VCF-style: chr7-128486124-C-G.
Other names: c.3871C>G, p.Arg1291Gly (NM_001127487.2); short protein forms R1291G.
Identifiers: ClinVar variation 539383 (VCV000539383.13), dbSNP rs753591663, ClinGen allele CA4475163.